The following is an entry in ClinVar:

ClinVar aggregate classification (germline): Uncertain significance (1 of 4 stars; one submission).

Conditions:
Maple syrup urine disease (MSUD). Identifiers: Orphanet 511, MedGen C0024776, MeSH D008375, MONDO:0009563. Disease mechanism: loss of function.

Allele frequency attached by ClinVar (database versions not stated): gnomAD exomes below 0.00001.
gnomAD v4.1: 2 of 1,610,590 alleles (0.00012%); highest among the groups gnomAD compares: East Asian, 0.0022%; no homozygotes.

Submission:

Labcorp Genetics (formerly Invitae), Labcorp
Classification: Uncertain significance for Maple syrup urine disease. Last evaluated: 2019-12-20. Review status: criteria provided, single submitter. Criteria: Invitae Variant Classification Sherloc (09022015). Collection method: clinical testing. Allele origin: germline.
Comment: This sequence change replaces glycine with serine at codon 101 of the BCKDHB protein (p.Gly101Ser). The glycine residue is highly conserved and there is a small physicochemical difference between glycine and serine. In summary, the available evidence is currently insufficient to determine the role of this variant in disease. Therefore, it has been classified as a Variant of Uncertain Significance. Algorithms developed to predict the effect of missense changes on protein structure and function are either unavailable or do not agree on the potential impact of this missense change (SIFT: "Tolerated"; PolyPhen-2: "Probably Damaging"; Align-GVGD: "Class C0"). This variant has been observed in individual(s) with maple syrup urine disease (PMID: 30228974). It has also been observed to segregate with disease in related individuals. This variant is not present in population databases (ExAC no frequency).

Literature cited by the submitters: PubMed 30228974.

NM_183050.4(BCKDHB):c.301G>A (p.Gly101Ser)

Gene: BCKDHB (branched chain keto acid dehydrogenase E1 subunit beta; plus strand). Cytogenetic location: 6q14.1.
Variant type: single nucleotide variant.
Coding change: c.301G>A on transcript NM_183050.4 (MANE Select); coding-DNA position 301, G replaced by A.
Protein change: p.Gly101Ser; replaces glycine 101 with serine.
Molecular consequence: missense variant. On other transcripts: non-coding transcript variant (1).
Genome position (GRCh38, 1-based): chr6:80,129,187, G>A. VCF-style: chr6-80129187-G-A. GRCh37 (hg19) VCF-style: chr6-80838904-G-A.
Other names: c.301G>A, p.Gly101Ser (NM_000056.5); c.91G>A, p.Gly31Ser (NM_001318975.1); short protein forms G101S, G31S.
Identifiers: ClinVar variation 834271 (VCV000834271.9), dbSNP rs1770499193, ClinGen allele CA364659188.
Genomic context (GRCh38, chr6:80,129,187, plus strand): 5'-AAATAAAATGTATTATTTAAATACTGTTTTTCAGTAATATTTGGTGAAGATGTTGCCTTT[G>A]GTGGAGTCTTTAGATGCACTGTTGGCTTGCGAGACAAATATGGTAAGTAAATACCTATAT-3'
Protein context (NP_898871.1, residues 91-111): AVIFGEDVAF[Gly101Ser]GVFRCTVGLR